The following is an entry in ClinVar:

ClinVar aggregate classification (germline): Benign (1 of 4 stars; one submission).

Allele frequency attached by ClinVar (database versions not stated): gnomAD 0.28881 and 0.29578; 1000 Genomes Project 0.29573; 1000 Genomes Project 30x 0.30434; TOPMed 0.31402.
gnomAD v4.1: 43,788 of 152,016 alleles (29%); highest among the groups gnomAD compares: African/African-American, 47%; 7,758 homozygotes.

Submission:

GeneDx
Classification: Benign. Last evaluated: 2018-06-18. Review status: criteria provided, single submitter. Criteria: GeneDx Variant Classification (06012015). Collection method: clinical testing. Allele origin: germline. Affected: yes.
Comment: This variant is considered likely benign or benign based on one or more of the following criteria: it is a conservative change, it occurs at a poorly conserved position in the protein, it is predicted to be benign by multiple in silico algorithms, and/or has population frequency not consistent with disease.

NM_000026.4(ADSL):c.482+281T>C

Gene: ADSL (adenylosuccinate lyase; plus strand). Cytogenetic location: 22q13.1.
Variant type: single nucleotide variant.
Coding change: c.482+281T>C on transcript NM_000026.4 (MANE Select); 281 bases into the intron after coding-DNA position 482, T replaced by C.
Molecular consequence: intron variant.
Genome position (GRCh38, 1-based): chr22:40,354,608, T>C. VCF-style: chr22-40354608-T-C. GRCh37 (hg19) VCF-style: chr22-40750612-T-C.
Other names: c.482+281T>C (NM_001363840.3, NM_001123378.3); c.290+281T>C (NM_001317923.2).
Identifiers: ClinVar variation 668929 (VCV000668929.1), dbSNP rs10854729, ClinGen allele CA14960046.